The following is an entry in ClinVar:

NM_000642.3(AGL):c.2818A>G (p.Met940Val)

Gene: AGL (amylo-alpha-1,6-glucosidase and 4-alpha-glucanotransferase; plus strand). Cytogenetic location: 1p21.2.
Variant type: single nucleotide variant.
Coding change: c.2818A>G on transcript NM_000642.3 (MANE Select); coding-DNA position 2818, A replaced by G.
Protein change: p.Met940Val; replaces methionine 940 with valine.
Molecular consequence: missense variant.
Genome position (GRCh38, 1-based): chr1:99,891,225, A>G. VCF-style: chr1-99891225-A-G. GRCh37 (hg19) VCF-style: chr1-100356781-A-G.
Other names: c.2818A>G, p.Met940Val (NM_000028.3, NM_000643.3, NM_000644.3 and 1 more transcripts); c.2770A>G, p.Met924Val (NM_000646.3); c.2617A>G, p.Met873Val (NM_001425327.1); c.2614A>G, p.Met872Val (NM_001425328.1); c.2479A>G, p.Met827Val (NM_001425329.1); c.2440A>G, p.Met814Val (NM_001425332.1); short protein forms M924V, M940V, M814V, M827V, M872V, M873V.
Identifiers: ClinVar variation 863050 (VCV000863050.10), dbSNP rs754850076, ClinGen allele CA966914.
Genomic context (GRCh38, chr1:99,891,225, plus strand): 5'-TAGGAACAAATTGATGCTACCAATAATACAGCATGACATGTCTCTGAATTTTCAGGTTTA[A>G]TGTCTGTATTGGCAGAAATAAGACCAAAGAATGACTTGGGGCATCCTTTTTGTAATAATT-3'
Protein context (NP_000633.2, residues 930-950): ALKYAGLQGL[Met940Val]SVLAEIRPKN

ClinVar aggregate classification (germline): Uncertain significance (1 of 4 stars; one submission).

Conditions:
Glycogen storage disease type III (GSD3). Also called: Cori disease; FORBES DISEASE. Identifiers: Orphanet 366, MedGen C0017922, MONDO:0009291, OMIM 232400.

Allele frequency attached by ClinVar (database versions not stated): gnomAD exomes below 0.00001; ExAC 0.00001.
gnomAD v4.1: 1 of 1,613,566 alleles (0.000062%); highest among the groups gnomAD compares: Non-Finnish European, 0.000085%; no homozygotes.

Submission:

Labcorp Genetics (formerly Invitae), Labcorp
Classification: Uncertain significance for Glycogen storage disease type III. Last evaluated: 2019-03-11. Review status: criteria provided, single submitter. Criteria: Invitae Variant Classification Sherloc (09022015). Collection method: clinical testing. Allele origin: germline.
Comment: This sequence change replaces methionine with valine at codon 940 of the AGL protein (p.Met940Val). The methionine residue is weakly conserved and there is a small physicochemical difference between methionine and valine. This variant is present in population databases (rs754850076, ExAC 0.002%). In summary, the available evidence is currently insufficient to determine the role of this variant in disease. Therefore, it has been classified as a Variant of Uncertain Significance. Algorithms developed to predict the effect of sequence changes on RNA splicing suggest that this variant may create or strengthen a splice site, but this prediction has not been confirmed by published transcriptional studies. Algorithms developed to predict the effect of missense changes on protein structure and function (SIFT, PolyPhen-2, Align-GVGD) all suggest that this variant is likely to be tolerated, but these predictions have not been confirmed by published functional studies and their clinical significance is uncertain. This variant has not been reported in the literature in individuals with AGL-related conditions.